The following is an entry in ClinVar:

NM_001572.5(IRF7):c.1052G>A (p.Arg351Gln)

Gene: IRF7 (interferon regulatory factor 7; minus strand). Cytogenetic location: 11p15.5.
Variant type: single nucleotide variant.
Coding change: c.1052G>A on transcript NM_001572.5 (MANE Select); coding-DNA position 1052, G replaced by A.
Protein change: p.Arg351Gln; replaces arginine 351 with glutamine.
Molecular consequence: missense variant.
Genome position (GRCh38, 1-based): chr11:613,391, C>T on the plus strand (G>A on the coding strand, the complement: IRF7 is on the minus strand). VCF-style: chr11-613391-C-T. GRCh37 (hg19) VCF-style: chr11-613391-C-T.
Other names: c.965G>A, p.Arg322Gln (NM_004029.4); c.1091G>A, p.Arg364Gln (NM_004031.4); c.1091G>A (NM_004031.2); short protein forms R351Q, R364Q, R322Q.
Identifiers: ClinVar variation 1414685 (VCV001414685.9), dbSNP rs777401747, ClinGen allele CA5783596.

ClinVar aggregate classification (germline): Conflicting classifications of pathogenicity. Review status: criteria provided, conflicting classifications (1 of 4 stars). 2 submissions from 2 submitters: Uncertain significance (1); Likely benign (1). Last evaluated 2025-12-19.

Conditions:
Immunodeficiency 39 (IMD39). Identifiers: Orphanet 574918, MedGen C4225358, MONDO:0014597, OMIM 616345.

Allele frequency attached by ClinVar (database versions not stated): gnomAD 0.00003; TOPMed 0.00004; gnomAD exomes 0.00008; ExAC 0.00012.

Submissions (2):

Labcorp Genetics (formerly Invitae), Labcorp
Classification: Uncertain significance for Immunodeficiency 39. Last evaluated: 2025-12-19. Review status: criteria provided, single submitter. Criteria: Invitae Variant Classification Sherloc (09022015). Collection method: clinical testing. Allele origin: germline.
Comment: This sequence change replaces arginine, which is basic and polar, with glutamine, which is neutral and polar, at codon 364 of the IRF7 protein (p.Arg364Gln). This variant is present in population databases (rs777401747, gnomAD 0.04%). This variant has not been reported in the literature in individuals affected with IRF7-related conditions. ClinVar contains an entry for this variant (Variation ID: 1414685). Invitae Evidence Modeling of protein sequence and biophysical properties (such as structural, functional, and spatial information, amino acid conservation, physicochemical variation, residue mobility, and thermodynamic stability) indicates that this missense variant is not expected to disrupt IRF7 protein function with a negative predictive value of 80%. In summary, the available evidence is currently insufficient to determine the role of this variant in disease. Therefore, it has been classified as a Variant of Uncertain Significance.

Ambry Genetics
Classification: Likely benign. Last evaluated: 2024-01-29. Review status: criteria provided, single submitter. Criteria: Ambry Variant Classification Scheme 2023. Collection method: clinical testing. Allele origin: germline.